The following is an entry in ClinVar:

NM_018941.4(CLN8):c.725C>T (p.Thr242Met)

Gene: CLN8 (CLN8 transmembrane ER and ERGIC protein; plus strand). Cytogenetic location: 8p23.3.
Variant type: single nucleotide variant.
Coding change: c.725C>T on transcript NM_018941.4 (MANE Select); coding-DNA position 725, C replaced by T.
Protein change: p.Thr242Met; replaces threonine 242 with methionine.
Molecular consequence: missense variant.
Genome position (GRCh38, 1-based): chr8:1,780,431, C>T. VCF-style: chr8-1780431-C-T. GRCh37 (hg19) VCF-style: chr8-1728597-C-T.
Other names: p.T242M:ACG>ATG; short protein forms T242M.
Identifiers: ClinVar variation 205195 (VCV000205195.18), dbSNP rs138821993, ClinGen allele CA314017.

ClinVar aggregate classification (germline): Conflicting classifications of pathogenicity. Review status: criteria provided, conflicting classifications (1 of 4 stars). 6 submissions from 6 submitters: Uncertain significance (1); Likely benign (3). 2 of the submissions do not count toward it. Last evaluated 2026-02-02.

Conditions:
CLN8-related disorder. Also called: CLN8-related condition.
Neuronal ceroid lipofuscinosis. Also called: Neuronal Ceroid Lipofuscinoses. Identifiers: Orphanet 216, Orphanet 79263, MedGen C0027877, MONDO:0016295. Disease mechanism: loss of function.

Allele frequency attached by ClinVar (database versions not stated): gnomAD 0.00010 and 0.00011; gnomAD exomes 0.00013 and 0.00040; TOPMed 0.00018; 1000 Genomes Project 30x 0.00031; 1000 Genomes Project 0.00040; ExAC 0.00045.
gnomAD v4.1: 205 of 1,614,216 alleles (0.013%); highest among the groups gnomAD compares: East Asian, 0.3%; 1 homozygote.

Submissions (6):

Labcorp Genetics (formerly Invitae), Labcorp
Classification: Likely benign for Neuronal ceroid lipofuscinosis. Last evaluated: 2026-02-02. Review status: criteria provided, single submitter. Criteria: Invitae Variant Classification Sherloc (09022015). Collection method: clinical testing. Allele origin: germline.

Blueprint Genetics
Classification: Likely benign. Last evaluated: 2024-02-02. Review status: criteria provided, single submitter. Criteria: ACMG Guidelines, 2015. Collection method: clinical testing. Allele origin: germline.

Department of Pathology and Laboratory Medicine, Sinai Health System
Classification: Uncertain significance for neuronal ceroid lipofuscinosis. Last evaluated: 2022-05-18. Review status: criteria provided, single submitter. Criteria: ACMG Guidelines, 2015. Collection method: research. Allele origin: germline.

GeneDx
Classification: Likely benign. Last evaluated: 2021-03-25. Review status: criteria provided, single submitter. Criteria: GeneDx Variant Classification Process June 2021. Collection method: clinical testing. Allele origin: germline. Affected: yes.

PreventionGenetics, part of Exact Sciences
Classification: Likely benign for CLN8-related condition. Last evaluated: 2022-03-16. Review status: no assertion criteria provided. Collection method: clinical testing. Allele origin: germline. Not counted in ClinVar's aggregate classification.
Comment: This variant is classified as likely benign based on ACMG/AMP sequence variant interpretation guidelines (Richards et al. 2015 PMID: 25741868, with internal and published modifications).

Natera, Inc.
Classification: Uncertain significance for Neuronal ceroid lipofuscinosis. Last evaluated: 2020-01-17. Review status: no assertion criteria provided. Collection method: clinical testing. Allele origin: germline. Not counted in ClinVar's aggregate classification.